The following is an entry in ClinVar:

ClinVar aggregate classification (germline): Uncertain significance (0 of 4 stars; one submission).

Conditions:
ASXL3-related disorder. Also called: ASXL3-related condition. Identifiers: MedGen CN381524.

gnomAD v4.1: 1 of 1,601,076 alleles (0.000062%); highest among the groups gnomAD compares: African/African-American, 0.0014%; no homozygotes.

Submission:

PreventionGenetics, part of Exact Sciences
Classification: Uncertain significance for ASXL3-related condition. Last evaluated: 2024-05-31. Review status: no assertion criteria provided. Collection method: clinical testing. Allele origin: germline.
Comment: The ASXL3 c.6131C>T variant is predicted to result in the amino acid substitution p.Pro2044Leu. To our knowledge, this variant has not been reported in the literature. This variant is reported in 0.0071% of alleles in individuals of African descent in gnomAD. At this time, the clinical significance of this variant is uncertain due to the absence of conclusive functional and genetic evidence.

NM_030632.3(ASXL3):c.6131C>T (p.Pro2044Leu)

Gene: ASXL3 (ASXL transcriptional regulator 3; plus strand). Cytogenetic location: 18q12.1.
Variant type: single nucleotide variant.
Coding change: c.6131C>T on transcript NM_030632.3 (MANE Select); coding-DNA position 6131, C replaced by T.
Protein change: p.Pro2044Leu; replaces proline 2044 with leucine.
Molecular consequence: missense variant.
Genome position (GRCh38, 1-based): chr18:33,745,979, C>T. VCF-style: chr18-33745979-C-T. GRCh37 (hg19) VCF-style: chr18-31325943-C-T.
Other names: short protein forms P2044L.
Identifiers: ClinVar variation 3347416 (VCV003347416.1).